The following is an entry in ClinVar:

ClinVar aggregate classification (germline): Uncertain significance. Review status: criteria provided, multiple submitters, no conflicts (2 of 4 stars). 2 submissions from 2 submitters: Uncertain significance (2). Last evaluated 2022-08-30.

Conditions:
Hereditary spastic paraplegia 73. Also called: Spastic paraplegia 73, autosomal dominant. Identifiers: Orphanet 444099, MedGen C5568981, MONDO:0014568, OMIM 616282.

Allele frequency attached by ClinVar (database versions not stated): gnomAD exomes below 0.00001; TOPMed below 0.00001.
gnomAD v4.1: 4 of 1,613,976 alleles (0.00025%); highest among the groups gnomAD compares: Non-Finnish European, 0.00034%; no homozygotes.

Submissions (2):

Labcorp Genetics (formerly Invitae), Labcorp
Classification: Uncertain significance for Hereditary spastic paraplegia 73. Last evaluated: 2022-08-30. Review status: criteria provided, single submitter. Criteria: Invitae Variant Classification Sherloc (09022015). Collection method: clinical testing. Allele origin: germline.
Comment: This variant is not present in population databases (gnomAD no frequency). This variant has not been reported in the literature in individuals affected with CPT1C-related conditions. Algorithms developed to predict the effect of missense changes on protein structure and function are either unavailable or do not agree on the potential impact of this missense change (SIFT: "Tolerated"; PolyPhen-2: "Probably Damaging"; Align-GVGD: "Class C0"). In summary, the available evidence is currently insufficient to determine the role of this variant in disease. Therefore, it has been classified as a Variant of Uncertain Significance. This sequence change replaces alanine, which is neutral and non-polar, with glycine, which is neutral and non-polar, at codon 632 of the CPT1C protein (p.Ala632Gly).

Ambry Genetics
Classification: Uncertain significance. Last evaluated: 2022-06-03. Review status: criteria provided, single submitter. Criteria: Ambry Variant Classification Scheme 2023. Collection method: clinical testing. Allele origin: germline.

NM_001199753.2(CPT1C):c.1928C>G (p.Ala643Gly)

Gene: CPT1C (carnitine palmitoyltransferase 1C; plus strand). Cytogenetic location: 19q13.33.
Variant type: single nucleotide variant.
Coding change: c.1928C>G on transcript NM_001199753.2 (MANE Select); coding-DNA position 1928, C replaced by G.
Protein change: p.Ala643Gly; replaces alanine 643 with glycine.
Molecular consequence: missense variant. On other transcripts: non-coding transcript variant (1).
Genome position (GRCh38, 1-based): chr19:49,711,870, C>G. VCF-style: chr19-49711870-C-G. GRCh37 (hg19) VCF-style: chr19-50215127-C-G.
Other names: c.1928C>G (NM_001199752.1); c.1895C>G, p.Ala632Gly (NM_001136052.3, NM_001378485.1); c.1928C>G, p.Ala643Gly (NM_001199752.3, NM_001378483.1, NM_001378484.1 and 1 more transcripts); c.1994C>G, p.Ala665Gly (NM_001378482.1); c.1793C>G, p.Ala598Gly (NM_001378486.1, NM_001378488.1); c.1760C>G, p.Ala587Gly (NM_001378487.1); short protein forms A665G, A587G, A598G, A643G, A632G.
Identifiers: ClinVar variation 2142147 (VCV002142147.5), dbSNP rs2083907184, ClinGen allele CA406908991.